The following is an entry in ClinVar:

ClinVar aggregate classification (germline): Uncertain significance (1 of 4 stars; one submission).

Allele frequency attached by ClinVar (database versions not stated): ExAC 0.00001; gnomAD 0.00001; gnomAD exomes 0.00001; TOPMed 0.00001.
gnomAD v4.1: 5 of 1,584,360 alleles (0.00032%); highest among the groups gnomAD compares: Admixed American, 0.0053%; no homozygotes.

Submission:

Labcorp Genetics (formerly Invitae), Labcorp
Classification: Uncertain significance. Last evaluated: 2024-08-22. Review status: criteria provided, single submitter. Criteria: Invitae Variant Classification Sherloc (09022015). Collection method: clinical testing. Allele origin: germline.
Comment: This sequence change creates a premature translational stop signal (p.Trp33*) in the DSCAML1 gene. It is expected to result in an absent or disrupted protein product. However, the current clinical and genetic evidence is not sufficient to establish whether loss-of-function variants in DSCAML1 cause disease. The frequency data for this variant in the population databases is considered unreliable, as metrics indicate poor data quality at this position in the gnomAD database. This variant has not been reported in the literature in individuals affected with DSCAML1-related conditions. ClinVar contains an entry for this variant (Variation ID: 1948112). In summary, the available evidence is currently insufficient to determine the role of this variant in disease. Therefore, it has been classified as a Variant of Uncertain Significance.

NM_020693.4(DSCAML1):c.-83G>A

Gene: DSCAML1 (DS cell adhesion molecule like 1; minus strand). Cytogenetic location: 11q23.3.
Variant type: single nucleotide variant.
Coding change: c.-83G>A on transcript NM_020693.4 (MANE Select); 83 bases upstream of the start codon, G replaced by A.
Molecular consequence: 5 prime UTR variant. On other transcripts: intron variant (1).
Genome position (GRCh38, 1-based): chr11:117,797,162, C>T on the plus strand (G>A on the coding strand, the complement: DSCAML1 is on the minus strand). VCF-style: chr11-117797162-C-T. GRCh37 (hg19) VCF-style: chr11-117667877-C-T.
Other names: c.-83G>A (NM_001367904.1); c.-362-16352G>A (NM_001367905.1).
Identifiers: ClinVar variation 1948112 (VCV001948112.5), dbSNP rs754085468, ClinGen allele CA6297703.